The following is an entry in ClinVar:

ClinVar aggregate classification (germline): Benign. Review status: criteria provided, multiple submitters, no conflicts (2 of 4 stars). 2 submissions from 2 submitters: Benign (2). Last evaluated 2018-01-13.

Conditions:
Peroxisome biogenesis disorder 7A (Zellweger). Also called: Peroxisome biogenesis disorder 7A. Identifiers: Orphanet 912, MedGen C3888385, MONDO:0013938, OMIM 614872.

Allele frequency attached by ClinVar (database versions not stated): gnomAD 0.01840 and 0.01712; TOPMed 0.01913; 1000 Genomes Project 30x 0.01936; 1000 Genomes Project 0.01937; gnomAD exomes 0.00224.

Submissions (2):

Illumina Laboratory Services, Illumina
Classification: Benign for Peroxisome biogenesis disorder 7A (Zellweger). Last evaluated: 2018-01-13. Review status: criteria provided, single submitter. Criteria: ICSL Variant Classification Criteria 13 December 2019. Collection method: clinical testing. Allele origin: germline.
Comment: This variant was observed in the ICSL laboratory as part of a predisposition screen in an ostensibly healthy population. It had not been previously curated by ICSL or reported in the Human Gene Mutation Database (HGMD: prior to June 1st, 2018), and was therefore a candidate for classification through an automated scoring system. Utilizing variant allele frequency, disease prevalence and penetrance estimates, and inheritance mode, an automated score was calculated to assess if this variant is too frequent to cause the disease. Based on the score and internal cut-off values, a variant classified as benign is not then subjected to further curation. The score for this variant resulted in a classification of benign for this disease.

Breakthrough Genomics
Classification: Benign. Review status: criteria provided, single submitter. Criteria: ACMG Guidelines, 2015. Collection method: not provided. Allele origin: germline. Inheritance: Autosomal recessive inheritance. Affected: yes.

NM_001127649.3(PEX26):c.*400C>T

Gene: PEX26 (peroxisomal biogenesis factor 26; plus strand). Cytogenetic location: 22q11.21.
Variant type: single nucleotide variant.
Coding change: c.*400C>T on transcript NM_001127649.3 (MANE Select); 400 bases downstream of the stop codon, C replaced by T.
Molecular consequence: 3 prime UTR variant.
Genome position (GRCh38, 1-based): chr22:18,088,475, C>T. VCF-style: chr22-18088475-C-T. GRCh37 (hg19) VCF-style: chr22-18571241-C-T.
Other names: c.*400C>T (NM_001199319.2, NM_017929.6).
Identifiers: ClinVar variation 340763 (VCV000340763.6), dbSNP rs74988725, ClinGen allele CA10650852.